The following is an entry in ClinVar:

NM_002439.5(MSH3):c.2905C>T (p.Gln969Ter)

Gene: MSH3 (mutS homolog 3; plus strand). Cytogenetic location: 5q14.1.
Variant type: single nucleotide variant.
Coding change: c.2905C>T on transcript NM_002439.5 (MANE Select); coding-DNA position 2905, C replaced by T.
Protein change: p.Gln969Ter; replaces glutamine 969 with a stop codon.
Molecular consequence: nonsense.
Genome position (GRCh38, 1-based): chr5:80,854,221, C>T. VCF-style: chr5-80854221-C-T. GRCh37 (hg19) VCF-style: chr5-80150040-C-T.
Other names: short protein forms Q969*.
Identifiers: ClinVar variation 1797500 (VCV001797500.6), dbSNP rs2112106462, ClinGen allele CA360275657.

ClinVar aggregate classification (germline): Pathogenic. Review status: criteria provided, multiple submitters, no conflicts (2 of 4 stars). 2 submissions from 2 submitters: Pathogenic (2). Last evaluated 2025-05-29.

Conditions:
Hereditary cancer-predisposing syndrome. Also called: Neoplastic Syndromes, Hereditary; Tumor predisposition; Hereditary Cancer Syndrome; Hereditary neoplastic syndrome. Identifiers: Orphanet 140162, MedGen C0027672, MeSH D009386, MONDO:0015356.

Submissions (2):

Ambry Genetics
Classification: Pathogenic for Hereditary cancer-predisposing syndrome. Last evaluated: 2025-05-29. Review status: criteria provided, single submitter. Criteria: Ambry Variant Classification Scheme 2023. Collection method: clinical testing. Allele origin: germline.
Comment: The p.Q969* pathogenic mutation (also known as c.2905C>T), located in coding exon 21 of the MSH3 gene, results from a C to T substitution at nucleotide position 2905. This changes the amino acid from a glutamine to a stop codon within coding exon 21. This variant is considered to be rare based on population cohorts in the Genome Aggregation Database (gnomAD). This alteration is expected to result in loss of function by premature protein truncation or nonsense-mediated mRNA decay. As such, this alteration is interpreted as a disease-causing mutation.

Labcorp Genetics (formerly Invitae), Labcorp
Classification: Pathogenic. Last evaluated: 2025-04-14. Review status: criteria provided, single submitter. Criteria: Invitae Variant Classification Sherloc (09022015). Collection method: clinical testing. Allele origin: germline.
Comment: This sequence change creates a premature translational stop signal (p.Gln969*) in the MSH3 gene. It is expected to result in an absent or disrupted protein product. Loss-of-function variants in MSH3 are known to be pathogenic (PMID: 27476653, 37402566). This variant is not present in population databases (gnomAD no frequency). This variant has not been reported in the literature in individuals affected with MSH3-related conditions. ClinVar contains an entry for this variant (Variation ID: 1797500). For these reasons, this variant has been classified as Pathogenic.

Literature cited by the submitters: PubMed 27476653 (cited by Labcorp Genetics (formerly Invitae), Labcorp); PubMed 37402566 (cited by Labcorp Genetics (formerly Invitae), Labcorp).